The following is an entry in ClinVar:

NM_058174.3(COL6A2):c.2550G>C (p.Leu850=)

Gene: COL6A2 (collagen type VI alpha 2 chain; plus strand). Cytogenetic location: 21q22.3.
Variant type: single nucleotide variant.
Coding change: c.2550G>C on transcript NM_058174.3 (MANE Plus Clinical); coding-DNA position 2550, G replaced by C.
Protein change: p.Leu850=; no amino-acid change (leucine 850 retained).
Molecular consequence: synonymous variant. On other transcripts: 3 prime UTR variant (1), intron variant (1).
Genome position (GRCh38, 1-based): chr21:46,129,284, G>C. VCF-style: chr21-46129284-G-C. GRCh37 (hg19) VCF-style: chr21-47549198-G-C.
Other names: c.*356G>C (NM_058175.3); c.2462-2670G>C (NM_001849.4).
Identifiers: ClinVar variation 2652803 (VCV002652803.24), dbSNP rs1306940350, ClinGen allele CA2523853770.
Genomic context (GRCh38, chr21:46,129,284, plus strand): 5'-GGTCACCTTCCTCCGCACGGAAGAGGGGCCGGACGCCACCTTCCCCAGGACCATTCCCCT[G>C]ATCCAACAGTTGCTAAACGCCACGGAGCTCACGCAGGACCCGGCCGCCTACTCCCAGCTG-3'
Protein context (NP_478054.2, residues 840-860): PDATFPRTIP[Leu850=]IQQLLNATEL

ClinVar aggregate classification (germline): Likely benign (1 of 4 stars; one submission).

gnomAD v4.1: 13 of 1,612,942 alleles (0.00081%); highest among the groups gnomAD compares: Non-Finnish European, 0.0011%; no homozygotes.

Submission:

CeGaT Center for Human Genetics Tuebingen
Classification: Likely benign. Last evaluated: 2023-06-01. Review status: criteria provided, single submitter. Criteria: CeGaT Center For Human Genetics Tuebingen Variant Classification Criteria Version 2. Collection method: clinical testing. Allele origin: germline. Affected: yes. Observed: 1 variant allele.
Comment: COL6A2: PM2:Supporting, BP4, BP7